The following is an entry in ClinVar:

NM_001369.3(DNAH5):c.3128del (p.Ser1043fs)

Genes: DNAH5 (dynein axonemal heavy chain 5; minus strand), DNAH5-AS1 (DNAH5 antisense RNA 1; plus strand). Cytogenetic location: 5p15.2.
Variant type: Deletion.
Coding change: c.3128del on transcript NM_001369.3 (MANE Select); coding-DNA position 3128, one base deleted (G; older notation c.3128delG).
Protein change: p.Ser1043fs; shifts the reading frame from serine 1043.
Molecular consequence: frameshift variant.
Genome position (GRCh38, 1-based): chr5:13,882,950, C deleted on the plus strand (G on the coding strand, the reverse complement: DNAH5 is on the minus strand). VCF-style (leftmost placement, unchanged base first): chr5-13882949-AC-A. GRCh37 (hg19) VCF-style: chr5-13883058-AC-A.
Other names: short protein forms S1043fs.
Identifiers: ClinVar variation 3707398 (VCV003707398.3).

ClinVar aggregate classification (germline): Pathogenic. Review status: criteria provided, multiple submitters, no conflicts (2 of 4 stars). 2 submissions from 2 submitters: Pathogenic (2). Last evaluated 2025-07-11.

Conditions:
Primary ciliary dyskinesia 3. Identifiers: Orphanet 244, MedGen C1837618, MONDO:0012085, OMIM 608644.
Primary ciliary dyskinesia. Also called: Ciliary dyskinesia. Identifiers: Orphanet 244, MedGen C0008780, MONDO:0016575, HP:0012265.

Submissions (2):

Myriad Genetics, Inc.
Classification: Pathogenic for Primary ciliary dyskinesia 3. Last evaluated: 2025-07-11. Review status: criteria provided, single submitter. Criteria: Myriad Autosomal Dominant, Autosomal Recessive and X-Linked Classification Criteria (2023). Collection method: clinical testing. Allele origin: unknown.
Comment: NM_001369.2(DNAH5):c.3128delG(S1043Mfs*50) is expected to be pathogenic in the context of primary ciliary dyskinesia, DNAH5-related. This variant is predicted to lead to an abnormal or absent protein product due to the creation of a premature termination codon in DNAH5, a gene where loss-of-function variants are known to be pathogenic. Please note: this variant was assessed in the context of healthy population screening.

Labcorp Genetics (formerly Invitae), Labcorp
Classification: Pathogenic for Primary ciliary dyskinesia. Last evaluated: 2024-02-14. Review status: criteria provided, single submitter. Criteria: Invitae Variant Classification Sherloc (09022015). Collection method: clinical testing. Allele origin: germline.
Comment: This sequence change creates a premature translational stop signal (p.Ser1043Metfs*50) in the DNAH5 gene. It is expected to result in an absent or disrupted protein product. Loss-of-function variants in DNAH5 are known to be pathogenic (PMID: 11788826, 16627867). This variant is not present in population databases (gnomAD no frequency). This variant has not been reported in the literature in individuals affected with DNAH5-related conditions. For these reasons, this variant has been classified as Pathogenic.

Literature cited by the submitters: PubMed 11788826 (cited by Labcorp Genetics (formerly Invitae), Labcorp); PubMed 16627867 (cited by Labcorp Genetics (formerly Invitae), Labcorp).